The following is an entry in ClinVar:

NM_006280.3(SSR4):c.211G>A (p.Gly71Ser)

Gene: SSR4 (signal sequence receptor subunit 4; plus strand). Cytogenetic location: Xq28.
Variant type: single nucleotide variant.
Coding change: c.211G>A on transcript NM_006280.3 (MANE Select); coding-DNA position 211, G replaced by A.
Protein change: p.Gly71Ser; replaces glycine 71 with serine.
Molecular consequence: missense variant. On other transcripts: non-coding transcript variant (1).
Genome position (GRCh38, 1-based): chrX:153,797,482, G>A. VCF-style: chrX-153797482-G-A. GRCh37 (hg19) VCF-style: chrX-153062937-G-A.
Other names: c.244G>A, p.Gly82Ser (NM_001204526.2); c.235G>A, p.Gly79Ser (NM_001204527.2); c.292G>A, p.Gly98Ser (NM_001440795.1); c.211G>A, p.Gly71Ser (NM_001440796.1); short protein forms G71S, G79S, G82S, G98S.
Identifiers: ClinVar variation 4632309 (VCV004632309.3).

ClinVar aggregate classification (germline): Likely benign. Review status: criteria provided, multiple submitters, no conflicts (2 of 4 stars). 2 submissions from 2 submitters: Likely benign (2). Last evaluated 2026-04-01.

Conditions:
Inborn genetic diseases. Identifiers: MedGen C0950123, MeSH D030342.

Submissions (2):

CeGaT Center for Human Genetics Tuebingen
Classification: Likely benign. Last evaluated: 2026-04-01. Review status: criteria provided, single submitter. Criteria: CeGaT Center For Human Genetics Tuebingen Variant Classification Criteria Version 2. Collection method: clinical testing. Allele origin: germline. Affected: yes. Observed: 1 variant allele.
Comment: SSR4: BP4, BS2

Ambry Genetics
Classification: Likely benign for Inborn genetic diseases. Last evaluated: 2025-12-03. Review status: criteria provided, single submitter. Criteria: Ambry Variant Classification Scheme 2023. Collection method: clinical testing. Allele origin: germline.